The following is an entry in ClinVar:

NM_000071.3(CBS):c.1605C>T (p.Thr535=)

Gene: CBS (cystathionine beta-synthase; minus strand). Cytogenetic location: 21q22.3.
Variant type: single nucleotide variant.
Coding change: c.1605C>T on transcript NM_000071.3 (MANE Select); coding-DNA position 1605, C replaced by T.
Protein change: p.Thr535=; no amino-acid change (threonine 535 retained).
Molecular consequence: synonymous variant.
Genome position (GRCh38, 1-based): chr21:43,053,931, G>A on the plus strand (C>T on the coding strand, the complement: CBS is on the minus strand). VCF-style: chr21-43053931-G-A. GRCh37 (hg19) VCF-style: chr21-44474041-G-A.
Other names: c.1605C>T, p.Thr535= (NM_001178008.3, NM_001178009.3, NM_001320298.2); c.1290C>T, p.Thr430= (NM_001321072.1).
Identifiers: ClinVar variation 511711 (VCV000511711.18), dbSNP rs769221457, ClinGen allele CA321684711.

ClinVar aggregate classification (germline): Likely benign. Review status: criteria provided, multiple submitters, no conflicts (2 of 4 stars). 5 submissions from 5 submitters: Likely benign (4). 1 of the submissions does not count toward it. Last evaluated 2026-01-18.

Conditions:
CBS-related disorder. Also called: CBS-related condition.
Familial thoracic aortic aneurysm and aortic dissection (TAAD). Also called: Thoracic aortic aneurysms and dissections. Identifiers: Orphanet 91387, MedGen C4707243, MONDO:0019625.
HYPERHOMOCYSTEINEMIA, THROMBOTIC, CBS-RELATED. Identifiers: MedGen C3150344, OMIM 236200.

Allele frequency attached by ClinVar (database versions not stated): gnomAD exomes 0.00002; ExAC 0.00003.

Submissions (5):

Labcorp Genetics (formerly Invitae), Labcorp
Classification: Likely benign for HYPERHOMOCYSTEINEMIA, THROMBOTIC, CBS-RELATED. Last evaluated: 2026-01-18. Review status: criteria provided, single submitter. Criteria: Invitae Variant Classification Sherloc (09022015). Collection method: clinical testing. Allele origin: germline.

Blueprint Genetics
Classification: Likely benign. Last evaluated: 2024-10-22. Review status: criteria provided, single submitter. Criteria: ACMG Guidelines, 2015. Collection method: clinical testing. Allele origin: germline.

GeneDx
Classification: Likely benign. Last evaluated: 2020-12-07. Review status: criteria provided, single submitter. Criteria: GeneDx Variant Classification Process June 2021. Collection method: clinical testing. Allele origin: germline. Affected: yes.

Ambry Genetics
Classification: Likely benign for Familial thoracic aortic aneurysm and aortic dissection. Last evaluated: 2016-04-29. Review status: criteria provided, single submitter. Criteria: Ambry Variant Classification Scheme 2023. Collection method: clinical testing. Allele origin: germline.

PreventionGenetics, part of Exact Sciences
Classification: Likely benign for CBS-related condition. Last evaluated: 2024-03-19. Review status: no assertion criteria provided. Collection method: clinical testing. Allele origin: germline. Not counted in ClinVar's aggregate classification.
Comment: This variant is classified as likely benign based on ACMG/AMP sequence variant interpretation guidelines (Richards et al. 2015 PMID: 25741868, with internal and published modifications).